The following is an entry in ClinVar:

ClinVar aggregate classification (germline): Uncertain significance. Review status: criteria provided, multiple submitters, no conflicts (2 of 4 stars). 3 submissions from 3 submitters: Uncertain significance (3). Last evaluated 2025-12-09.

Conditions:
BBS1-related disorder. Also called: BBS1-related condition.
Bardet-Biedl syndrome (BBS). Identifiers: Orphanet 110, MedGen C0752166, MONDO:0015229.

Allele frequency attached by ClinVar (database versions not stated): gnomAD 0.00001; TOPMed 0.00001.
gnomAD v4.1: 5 of 1,614,032 alleles (0.00031%); highest among the groups gnomAD compares: Non-Finnish European, 0.00042%; no homozygotes.

Submissions (3):

PreventionGenetics, part of Exact Sciences
Classification: Uncertain significance for BBS1-related condition. Last evaluated: 2025-12-09. Review status: criteria provided, single submitter. Criteria: ACMG Guidelines, 2015. Collection method: clinical testing. Allele origin: germline.
Comment: The BBS1 c.1640C>A variant is predicted to result in the amino acid substitution p.Pro547His. To our knowledge, this variant has not been reported in the literature. This variant is reported in 0.0023% of alleles in individuals of European (Non-Finnish) descent in gnomAD. At this time, the clinical significance of this variant is uncertain due to the absence of conclusive functional and genetic evidence.

Labcorp Genetics (formerly Invitae), Labcorp
Classification: Uncertain significance for Bardet-Biedl syndrome. Last evaluated: 2021-11-23. Review status: criteria provided, single submitter. Criteria: Invitae Variant Classification Sherloc (09022015). Collection method: clinical testing. Allele origin: germline.
Comment: This sequence change replaces proline, which is neutral and non-polar, with histidine, which is basic and polar, at codon 547 of the BBS1 protein (p.Pro547His). This variant is present in population databases (rs774636593, gnomAD 0.002%). This variant has not been reported in the literature in individuals affected with BBS1-related conditions. Algorithms developed to predict the effect of missense changes on protein structure and function are either unavailable or do not agree on the potential impact of this missense change (SIFT: "Tolerated"; PolyPhen-2: "Possibly Damaging"; Align-GVGD: "Class C0"). In summary, the available evidence is currently insufficient to determine the role of this variant in disease. Therefore, it has been classified as a Variant of Uncertain Significance.

Genetic Services Laboratory, University of Chicago
Classification: Uncertain significance. Last evaluated: 2019-04-15. Review status: criteria provided, single submitter. Criteria: ACMG Guidelines, 2015. Collection method: clinical testing. Allele origin: germline. Affected: no.

NM_024649.5(BBS1):c.1640C>A (p.Pro547His)

Genes: BBS1 (Bardet-Biedl syndrome 1; plus strand), ZDHHC24 (zDHHC palmitoyltransferase 24; minus strand). Cytogenetic location: 11q13.2.
Variant type: single nucleotide variant.
Coding change: c.1640C>A on transcript NM_024649.5 (MANE Select); coding-DNA position 1640, C replaced by A.
Protein change: p.Pro547His; replaces proline 547 with histidine.
Molecular consequence: missense variant. On other transcripts: intron variant (1).
Genome position (GRCh38, 1-based): chr11:66,531,687, C>A. VCF-style: chr11-66531687-C-A. GRCh37 (hg19) VCF-style: chr11-66299158-C-A.
Other names: c.560-2199G>T (NM_001348571.2); short protein forms P547H.
Identifiers: ClinVar variation 1337101 (VCV001337101.8), dbSNP rs774636593, ClinGen allele CA6123845.
Genomic context (GRCh38, chr11:66,531,687, plus strand): 5'-TTTCCTTACTTCTTTGTCCCCAAACTTAGGTACCCTTGCTGGTGCCAGGGCTCAACTACC[C>A]CCTGGAGACCTTTGTGGAGAGTCTCAGTAACAAGGGCATCTCAGACATCATCAAGGTAGG-3'
Protein context (NP_078925.3, residues 537-557): VPLLVPGLNY[Pro547His]LETFVESLSN